The following is an entry in ClinVar:

NM_006361.6(HOXB13):c.698G>T (p.Arg233Leu)

Gene: HOXB13 (homeobox B13; minus strand). Cytogenetic location: 17q21.32.
Variant type: single nucleotide variant.
Coding change: c.698G>T on transcript NM_006361.6 (MANE Select); coding-DNA position 698, G replaced by T.
Protein change: p.Arg233Leu; replaces arginine 233 with leucine.
Molecular consequence: missense variant.
Genome position (GRCh38, 1-based): chr17:48,726,947, C>A on the plus strand (G>T on the coding strand, the complement: HOXB13 is on the minus strand). VCF-style: chr17-48726947-C-A. GRCh37 (hg19) VCF-style: chr17-46804309-C-A.
Other names: short protein forms R233L.
Identifiers: ClinVar variation 857684 (VCV000857684.14), dbSNP rs1451909727, ClinGen allele CA400106531.

ClinVar aggregate classification (germline): Uncertain significance. Review status: criteria provided, multiple submitters, no conflicts (2 of 4 stars). 2 submissions from 2 submitters: Uncertain significance (2). Last evaluated 2025-12-03.

Conditions:
Hereditary cancer-predisposing syndrome. Also called: Tumor predisposition; Hereditary neoplastic syndrome; Neoplastic Syndromes, Hereditary; Hereditary Cancer Syndrome. Identifiers: Orphanet 140162, MedGen C0027672, MeSH D009386, MONDO:0015356.

Allele frequency attached by ClinVar (database versions not stated): gnomAD exomes below 0.00001; gnomAD 0.00001.
gnomAD v4.1: 7 of 1,613,718 alleles (0.00043%); highest among the groups gnomAD compares: Non-Finnish European, 0.00059%; no homozygotes.

Submissions (2):

Labcorp Genetics (formerly Invitae), Labcorp
Classification: Uncertain significance. Last evaluated: 2025-12-03. Review status: criteria provided, single submitter. Criteria: Invitae Variant Classification Sherloc (09022015). Collection method: clinical testing. Allele origin: germline.
Comment: This sequence change replaces arginine, which is basic and polar, with leucine, which is neutral and non-polar, at codon 233 of the HOXB13 protein (p.Arg233Leu). This variant is present in population databases (no rsID available, gnomAD 0.002%). This variant has not been reported in the literature in individuals affected with HOXB13-related conditions. ClinVar contains an entry for this variant (Variation ID: 857684). Invitae Evidence Modeling of protein sequence and biophysical properties (such as structural, functional, and spatial information, amino acid conservation, physicochemical variation, residue mobility, and thermodynamic stability) has been performed for this missense variant. However, the output from this modeling did not meet the statistical confidence thresholds required to predict the impact of this variant on HOXB13 protein function. In summary, the available evidence is currently insufficient to determine the role of this variant in disease. Therefore, it has been classified as a Variant of Uncertain Significance.

Ambry Genetics
Classification: Uncertain significance for Hereditary cancer-predisposing syndrome. Last evaluated: 2025-05-23. Review status: criteria provided, single submitter. Criteria: Ambry Variant Classification Scheme 2023. Collection method: clinical testing. Allele origin: germline.
Comment: The p.R233L variant (also known as c.698G>T), located in coding exon 2 of the HOXB13 gene, results from a G to T substitution at nucleotide position 698. The arginine at codon 233 is replaced by leucine, an amino acid with dissimilar properties. This amino acid position is not well conserved in available vertebrate species. In addition, the in silico prediction for this alteration is inconclusive. Since supporting evidence is limited at this time, the clinical significance of this alteration remains unclear.